The following is an entry in ClinVar:

ClinVar aggregate classification (germline): Likely benign. Review status: criteria provided, multiple submitters, no conflicts (2 of 4 stars). 2 submissions from 2 submitters: Likely benign (2). Last evaluated 2026-01-24.

Allele frequency attached by ClinVar (database versions not stated): gnomAD 0.00001; TOPMed 0.00001; ExAC 0.00003; ESP Exome Variant Server 0.00008.
gnomAD v4.1: 61 of 1,613,902 alleles (0.0038%); highest among the groups gnomAD compares: Middle Eastern, 0.016%; no homozygotes.

Submissions (2):

Labcorp Genetics (formerly Invitae), Labcorp
Classification: Likely benign. Last evaluated: 2026-01-24. Review status: criteria provided, single submitter. Criteria: Invitae Variant Classification Sherloc (09022015). Collection method: clinical testing. Allele origin: germline.

CeGaT Center for Human Genetics Tuebingen
Classification: Likely benign. Last evaluated: 2023-02-01. Review status: criteria provided, single submitter. Criteria: CeGaT Center For Human Genetics Tuebingen Variant Classification Criteria Version 2. Collection method: clinical testing. Allele origin: germline. Affected: yes. Observed: 1 variant allele.
Comment: CUL7: BP4, BP7

NM_014780.5(CUL7):c.2121C>T (p.Ala707=)

Gene: CUL7 (cullin 7; minus strand). Cytogenetic location: 6p21.1.
Variant type: single nucleotide variant.
Coding change: c.2121C>T on transcript NM_014780.5 (MANE Select); coding-DNA position 2121, C replaced by T.
Protein change: p.Ala707=; no amino-acid change (alanine 707 retained).
Molecular consequence: synonymous variant.
Genome position (GRCh38, 1-based): chr6:43,048,196, G>A on the plus strand (C>T on the coding strand, the complement: CUL7 is on the minus strand). VCF-style: chr6-43048196-G-A. GRCh37 (hg19) VCF-style: chr6-43015934-G-A.
Other names: c.2217C>T, p.Ala739= (NM_001168370.2, NM_001374872.1); c.2121C>T, p.Ala707= (NM_001374873.1, NM_001374874.1).
Identifiers: ClinVar variation 1905614 (VCV001905614.29), dbSNP rs149523197, ClinGen allele CA3813983.